The following is an entry in ClinVar:

NC_000017.11:g.(?_35116966)_(35118629_?)del

Gene: RAD51D (RAD51 paralog D; minus strand). Cytogenetic location: 17q12.
Variant type: Deletion.
Identifiers: ClinVar variation 832818 (VCV000832818.2).

ClinVar aggregate classification (germline): Pathogenic (1 of 4 stars; one submission).

Conditions:
Breast-ovarian cancer, familial, susceptibility to, 4. Identifiers: Orphanet 145, MedGen C3280345, MONDO:0013669, OMIM 614291.

Submission:

Labcorp Genetics (formerly Invitae), Labcorp
Classification: Pathogenic for Breast-ovarian cancer, familial, susceptibility to, 4. Last evaluated: 2021-08-12. Review status: criteria provided, single submitter. Criteria: Invitae Variant Classification Sherloc (09022015). Collection method: clinical testing. Allele origin: germline.
Comment: This variant is a gross deletion of the genomic region encompassing exon(s) 3 of the RAD51D gene. This deletion is out-of-frame, and is expected to create a premature termination codon and result in an absent or disrupted protein product. Loss-of-function variants in RAD51D are known to be pathogenic (PMID: 21822267). A similar copy number variant has been observed in individual(s) with ovarian cancer (PMID: 26681312). For these reasons, this variant has been classified as Pathogenic.

Literature cited by the submitters: PubMed 21822267; PubMed 26681312.